The following is an entry in ClinVar:

ClinVar aggregate classification (germline): Uncertain significance (1 of 4 stars; one submission).

Submission:

CeGaT Center for Human Genetics Tuebingen
Classification: Uncertain significance. Last evaluated: 2024-05-01. Review status: criteria provided, single submitter. Criteria: CeGaT Center For Human Genetics Tuebingen Variant Classification Criteria Version 2. Collection method: clinical testing. Allele origin: germline. Affected: yes. Observed: 1 variant allele.
Comment: CC2D2A: PM2, BP4

NM_001378615.1(CC2D2A):c.482A>C (p.Gln161Pro)

Genes: CC2D2A (coiled-coil and C2 domain containing 2A; plus strand), FBXL5 (F-box and leucine rich repeat protein 5; minus strand). Cytogenetic location: 4p15.32.
Variant type: single nucleotide variant.
Coding change: c.482A>C on transcript NM_001378615.1 (MANE Select); coding-DNA position 482, A replaced by C.
Protein change: p.Gln161Pro; replaces glutamine 161 with proline.
Molecular consequence: missense variant.
Genome position (GRCh38, 1-based): chr4:15,510,182, A>C. VCF-style: chr4-15510182-A-C. GRCh37 (hg19) VCF-style: chr4-15511805-A-C.
Other names: c.482A>C, p.Gln161Pro (NM_001080522.2); c.335A>C, p.Gln112Pro (NM_001378617.1); short protein forms Q112P, Q161P.
Identifiers: ClinVar variation 3239051 (VCV003239051.18), dbSNP rs777341305.